The following is an entry in ClinVar:

NM_007131.5(ZNF75D):c.261G>A (p.Gln87=)

Gene: ZNF75D (zinc finger protein 75D; minus strand). Cytogenetic location: Xq26.3.
Variant type: single nucleotide variant.
Coding change: c.261G>A on transcript NM_007131.5 (MANE Select); coding-DNA position 261, G replaced by A.
Protein change: p.Gln87=; no amino-acid change (glutamine 87 retained).
Molecular consequence: synonymous variant.
Genome position (GRCh38, 1-based): chrX:135,293,880, C>T on the plus strand (G>A on the coding strand, the complement: ZNF75D is on the minus strand). VCF-style: chrX-135293880-C-T. GRCh37 (hg19) VCF-style: chrX-134427806-C-T.
Other names: c.261G>A, p.Gln87= (NM_001185063.2).
Identifiers: ClinVar variation 4873768 (VCV004873768.2).

ClinVar aggregate classification (germline): Likely benign (1 of 4 stars; one submission).

Submission:

CeGaT Center for Human Genetics Tuebingen
Classification: Likely benign. Last evaluated: 2026-05-01. Review status: criteria provided, single submitter. Criteria: CeGaT Center For Human Genetics Tuebingen Variant Classification Criteria Version 2. Collection method: clinical testing. Allele origin: germline. Affected: yes. Observed: 1 variant allele.
Comment: ZNF75D: PM2:Supporting, BP4, BP7